The following is an entry in ClinVar:

ClinVar aggregate classification (germline): Uncertain significance (1 of 4 stars; one submission).

Conditions:
Joubert syndrome. Also called: CEREBELLOPARENCHYMAL DISORDER IV; JOUBERT-BOLTSHAUSER SYNDROME; Familial aplasia of the vermis. Identifiers: Orphanet 475, MedGen C5979921, MONDO:0018772.
Orofaciodigital syndrome I (OFD1). Also called: OFDS I; Papillon-Leage and Psaume Syndrome; Oral-Facial-Digital Syndrome Type I. Identifiers: Orphanet 2750, MedGen C1510460, MONDO:0010702, OMIM 311200.

Submission:

Labcorp Genetics (formerly Invitae), Labcorp
Classification: Uncertain significance for Orofaciodigital syndrome I; Joubert syndrome. Last evaluated: 2022-06-19. Review status: criteria provided, single submitter. Criteria: Invitae Variant Classification Sherloc (09022015). Collection method: clinical testing. Allele origin: germline.
Comment: In summary, the available evidence is currently insufficient to determine the role of this variant in disease. Therefore, it has been classified as a Variant of Uncertain Significance. Algorithms developed to predict the effect of sequence changes on RNA splicing suggest that this variant may disrupt the consensus splice site. Algorithms developed to predict the effect of missense changes on protein structure and function are either unavailable or do not agree on the potential impact of this missense change (SIFT: "Tolerated"; PolyPhen-2: "Possibly Damaging"; Align-GVGD: "Class C0"). This variant has not been reported in the literature in individuals affected with OFD1-related conditions. This variant is not present in population databases (gnomAD no frequency). This sequence change replaces threonine, which is neutral and polar, with isoleucine, which is neutral and non-polar, at codon 1001 of the OFD1 protein (p.Thr1001Ile).

NM_003611.3(OFD1):c.3002C>T (p.Thr1001Ile)

Gene: OFD1 (OFD1 centriole and centriolar satellite protein; plus strand). Cytogenetic location: Xp22.2.
Variant type: single nucleotide variant.
Coding change: c.3002C>T on transcript NM_003611.3 (MANE Select); coding-DNA position 3002, C replaced by T.
Protein change: p.Thr1001Ile; replaces threonine 1001 with isoleucine.
Molecular consequence: missense variant.
Genome position (GRCh38, 1-based): chrX:13,769,071, C>T. VCF-style: chrX-13769071-C-T. GRCh37 (hg19) VCF-style: chrX-13787190-C-T.
Other names: c.2882C>T, p.Thr961Ile (NM_001330209.2); c.2582C>T, p.Thr861Ile (NM_001330210.2); short protein forms T1001I, T861I, T961I.
Identifiers: ClinVar variation 2008391 (VCV002008391.4), dbSNP rs2519007829, ClinGen allele CA412315414.